The following is an entry in ClinVar:

NC_000014.9:g.60642099A>C

Gene: SIX1 (SIX homeobox 1; minus strand). Cytogenetic location: 14q23.1.
Variant type: single nucleotide variant.
Genome position: GRCh38 VCF-style: chr14-60642099-A-C. GRCh37 (hg19) VCF-style: chr14-61108817-A-C.
Identifiers: ClinVar variation 2644271 (VCV002644271.24), dbSNP rs529424061, ClinGen allele CA261718269.

ClinVar aggregate classification (germline): Benign (1 of 4 stars; one submission).

Allele frequency attached by ClinVar (database versions not stated): TOPMed 0.00014; gnomAD 0.00019; 1000 Genomes Project 0.00060; 1000 Genomes Project 30x 0.00062.

Submission:

CeGaT Center for Human Genetics Tuebingen
Classification: Benign. Last evaluated: 2022-07-01. Review status: criteria provided, single submitter. Criteria: CeGaT Center For Human Genetics Tuebingen Variant Classification Criteria Version 2. Collection method: clinical testing. Allele origin: germline. Affected: yes. Observed: 1 variant allele.
Comment: SIX1: BS1, BS2